The following is an entry in ClinVar:

ClinVar aggregate classification (germline): Uncertain significance (1 of 4 stars; one submission).

Conditions:
Dyskeratosis congenita. Identifiers: Orphanet 1775, MedGen C0265965, MONDO:0015780.

Submission:

Labcorp Genetics (formerly Invitae), Labcorp
Classification: Uncertain significance for Dyskeratosis congenita. Last evaluated: 2019-04-24. Review status: criteria provided, single submitter. Criteria: Invitae Variant Classification Sherloc (09022015). Collection method: clinical testing. Allele origin: germline.
Comment: This variant results in a copy number gain of the genomic region encompassing the full coding sequence of the NHP2 gene. The boundaries of this event are unknown as they extend beyond the assayed region for this gene and therefore may encompass additional genes. As the precise location of this event is unknown, it may be in tandem or it may be located elsewhere in the genome. This variant has not been reported in the literature in individuals with NHP2-related conditions. In summary, the available evidence is currently insufficient to determine the role of this variant in disease. Therefore, it has been classified as a Variant of Uncertain Significance.

NC_000005.10:g.(?_178149693)_(178153837_?)dup

Gene: NHP2 (NHP2 ribonucleoprotein; minus strand). Cytogenetic location: 5q35.3.
Variant type: Duplication.
Identifiers: ClinVar variation 831397 (VCV000831397.1).